The following is an entry in ClinVar:

NM_021629.4(GNB4):c.766C>T (p.Arg256Cys)

Gene: GNB4 (G protein subunit beta 4; minus strand). Cytogenetic location: 3q26.33.
Variant type: single nucleotide variant.
Coding change: c.766C>T on transcript NM_021629.4 (MANE Select); coding-DNA position 766, C replaced by T.
Protein change: p.Arg256Cys; replaces arginine 256 with cysteine.
Molecular consequence: missense variant.
Genome position (GRCh38, 1-based): chr3:179,405,340, G>A on the plus strand (C>T on the coding strand, the complement: GNB4 is on the minus strand). VCF-style: chr3-179405340-G-A. GRCh37 (hg19) VCF-style: chr3-179123128-G-A.
Other names: short protein forms R256C.
Identifiers: ClinVar variation 864387 (VCV000864387.9), dbSNP rs971032854, ClinGen allele CA88740376.

ClinVar aggregate classification (germline): Uncertain significance (1 of 4 stars; one submission).

Conditions:
Charcot-Marie-Tooth disease dominant intermediate F. Identifiers: Orphanet 352670, MedGen C4749463, MONDO:0014074, OMIM 615185.

Allele frequency attached by ClinVar (database versions not stated): gnomAD exomes below 0.00001; gnomAD 0.00001; TOPMed 0.00001.
gnomAD v4.1: 5 of 1,613,892 alleles (0.00031%); highest among the groups gnomAD compares: Non-Finnish European, 0.00025%; no homozygotes.

Submission:

Labcorp Genetics (formerly Invitae), Labcorp
Classification: Uncertain significance for Charcot-Marie-Tooth disease dominant intermediate F. Last evaluated: 2019-12-23. Review status: criteria provided, single submitter. Criteria: Invitae Variant Classification Sherloc (09022015). Collection method: clinical testing. Allele origin: germline.
Comment: This variant has not been reported in the literature in individuals with GNB4-related conditions. This variant is not present in population databases (ExAC no frequency). This sequence change replaces arginine with cysteine at codon 256 of the GNB4 protein (p.Arg256Cys). The arginine residue is highly conserved and there is a large physicochemical difference between arginine and cysteine. Algorithms developed to predict the effect of missense changes on protein structure and function are either unavailable or do not agree on the potential impact of this missense change (SIFT: "Deleterious"; PolyPhen-2: "Probably Damaging"; Align-GVGD: "Class C0"). In summary, the available evidence is currently insufficient to determine the role of this variant in disease. Therefore, it has been classified as a Variant of Uncertain Significance.